The following is an entry in ClinVar:

ClinVar aggregate classification (germline): Uncertain significance (1 of 4 stars; one submission).

Conditions:
Cardiovascular phenotype. Identifiers: MedGen CN230736.

Submission:

Ambry Genetics
Classification: Uncertain significance for Cardiovascular phenotype. Last evaluated: 2025-03-31. Review status: criteria provided, single submitter. Criteria: Ambry Variant Classification Scheme 2023. Collection method: clinical testing. Allele origin: germline.
Comment: The p.H95Q variant (also known as c.285T>A), located in coding exon 3 of the CACNB2 gene, results from a T to A substitution at nucleotide position 285. The histidine at codon 95 is replaced by glutamine, an amino acid with highly similar properties. This amino acid position is highly conserved in available vertebrate species. In addition, this alteration is predicted to be deleterious by in silico analysis. Since supporting evidence is limited at this time, the clinical significance of this alteration remains unclear.

NM_201596.3(CACNB2):c.447T>A (p.His149Gln)

Gene: CACNB2 (calcium voltage-gated channel auxiliary subunit beta 2; plus strand). Cytogenetic location: 10p12.31.
Variant type: single nucleotide variant.
Coding change: c.447T>A on transcript NM_201596.3 (MANE Select); coding-DNA position 447, T replaced by A.
Protein change: p.His149Gln; replaces histidine 149 with glutamine.
Molecular consequence: missense variant.
Genome position (GRCh38, 1-based): chr10:18,498,468, T>A. VCF-style: chr10-18498468-T-A. GRCh37 (hg19) VCF-style: chr10-18787397-T-A.
Other names: c.282T>A, p.His94Gln (NM_000724.4, NM_001330060.2); c.363T>A, p.His121Gln (NM_001167945.2, NM_201571.4, NM_201572.4); c.303T>A, p.His101Gln (NM_001410882.1, NM_201570.3); c.285T>A, p.His95Gln (NM_201590.3); c.447T>A, p.His149Gln (NM_201593.3, NM_201597.3); short protein forms H149Q, H94Q, H95Q, H101Q, H121Q.
Identifiers: ClinVar variation 1796944 (VCV001796944.3), dbSNP rs1420256596, ClinGen allele CA376057015.